The following is an entry in ClinVar:

NM_014239.4(EIF2B2):c.285-19G>A

Gene: EIF2B2 (eukaryotic translation initiation factor 2B subunit beta; plus strand). Cytogenetic location: 14q24.3.
Variant type: single nucleotide variant.
Coding change: c.285-19G>A on transcript NM_014239.4 (MANE Select); 19 bases into the intron before coding-DNA position 285, G replaced by A.
Molecular consequence: intron variant.
Genome position (GRCh38, 1-based): chr14:75,003,532, G>A. VCF-style: chr14-75003532-G-A. GRCh37 (hg19) VCF-style: chr14-75470235-G-A.
Identifiers: ClinVar variation 1374848 (VCV001374848.5), dbSNP rs769894290, ClinGen allele CA7274856.
Genomic context (GRCh38, chr14:75,003,532, plus strand): 5'-TTATTGGAGCTGAACAGCCCTTGTTACCTGCCTGACCACTCCTCCCCACCTCTCTCTTTG[G>A]GTCTTGTTGCCTCTATAGACTCCATGGACGCAGCGACGAGAGTGATCAGCAGGAGTCCCT-3'

ClinVar aggregate classification (germline): Uncertain significance (1 of 4 stars; one submission).

Allele frequency attached by ClinVar (database versions not stated): ExAC 0.00002; gnomAD exomes 0.00003; gnomAD 0.00004 and 0.00005; TOPMed 0.00005.
gnomAD v4.1: 89 of 1,613,938 alleles (0.0055%); highest among the groups gnomAD compares: Non-Finnish European, 0.0073%; no homozygotes.

Submission:

Labcorp Genetics (formerly Invitae), Labcorp
Classification: Uncertain significance. Last evaluated: 2022-06-08. Review status: criteria provided, single submitter. Criteria: Invitae Variant Classification Sherloc (09022015). Collection method: clinical testing. Allele origin: germline.
Comment: This sequence change falls in intron 2 of the EIF2B2 gene. It does not directly change the encoded amino acid sequence of the EIF2B2 protein. This variant is present in population databases (rs769894290, gnomAD 0.006%). This variant has not been reported in the literature in individuals affected with EIF2B2-related conditions. Algorithms developed to predict the effect of sequence changes on RNA splicing suggest that this variant may create or strengthen a splice site. In summary, the available evidence is currently insufficient to determine the role of this variant in disease. Therefore, it has been classified as a Variant of Uncertain Significance.